The following is an entry in ClinVar:

NM_007055.4(POLR3A):c.2100C>T (p.Ile700=)

Gene: POLR3A (RNA polymerase III subunit A; minus strand). Cytogenetic location: 10q22.3.
Variant type: single nucleotide variant.
Coding change: c.2100C>T on transcript NM_007055.4 (MANE Select); coding-DNA position 2100, C replaced by T.
Protein change: p.Ile700=; no amino-acid change (isoleucine 700 retained).
Molecular consequence: synonymous variant.
Genome position (GRCh38, 1-based): chr10:78,004,863, G>A on the plus strand (C>T on the coding strand, the complement: POLR3A is on the minus strand). VCF-style: chr10-78004863-G-A. GRCh37 (hg19) VCF-style: chr10-79764621-G-A.
Other names: p.Ile700=.
Identifiers: ClinVar variation 301060 (VCV000301060.17), dbSNP rs79793998, ClinGen allele CA5571212.

ClinVar aggregate classification (germline): Benign. Review status: criteria provided, multiple submitters, no conflicts (2 of 4 stars). 5 submissions from 5 submitters: Benign (5). Last evaluated 2026-02-02.

Conditions:
Leukodystrophy, hypomyelinating, 7, with or without oligodontia and/or hypogonadotropic hypogonadism (HLD7). Also called: LEUKOENCEPHALOPATHY, HYPOMYELINATING, WITH ATAXIA AND DELAYED DENTITION; ATAXIA, DELAYED DENTITION, AND HYPOMYELINATION; LEUKODYSTROPHY, HYPOMYELINATING, 7, WITH OLIGODONTIA; LEUKODYSTROPHY, HYPOMYELINATING, 7, WITH OLIGODONTIA AND HYPOGONADOTROPIC HYPOGONADISM; LEUKODYSTROPHY, HYPOMYELINATING, 7, WITHOUT OLIGODONTIA OR HYPOGONADOTROPIC HYPOGONADISM; Ataxia, Delayed Dentition and Hypomyelination (ADDH). Identifiers: Orphanet 137639, Orphanet 447893, Orphanet 447896, Orphanet 77295, Orphanet 88637, MedGen CN034185, MONDO:0011897, OMIM 607694.

Allele frequency attached by ClinVar (database versions not stated): gnomAD exomes 0.00313 and 0.00813; ExAC 0.01045; gnomAD 0.03229 and 0.03469; 1000 Genomes Project 0.03554; TOPMed 0.03700; 1000 Genomes Project 30x 0.03732; ESP Exome Variant Server 0.03975.
gnomAD v4.1: 9,676 of 1,613,916 alleles (0.6%); highest among the groups gnomAD compares: African/African-American, 11%; 542 homozygotes.

Submissions (5):

Labcorp Genetics (formerly Invitae), Labcorp
Classification: Benign. Last evaluated: 2026-02-02. Review status: criteria provided, single submitter. Criteria: Invitae Variant Classification Sherloc (09022015). Collection method: clinical testing. Allele origin: germline.

Mayo Clinic Laboratories, Mayo Clinic
Classification: Benign. Last evaluated: 2023-01-23. Review status: criteria provided, single submitter. Criteria: ACMG Guidelines, 2015. Collection method: clinical testing. Allele origin: germline. Observed: 8 variant alleles.

GeneDx
Classification: Benign. Last evaluated: 2021-04-16. Review status: criteria provided, single submitter. Criteria: GeneDx Variant Classification Process June 2021. Collection method: clinical testing. Allele origin: germline. Affected: yes.

Illumina Laboratory Services, Illumina
Classification: Benign for Leukodystrophy, hypomyelinating, 7, with or without oligodontia and/or hypogonadotropic hypogonadism. Last evaluated: 2018-01-12. Review status: criteria provided, single submitter. Criteria: ICSL Variant Classification Criteria 13 December 2019. Collection method: clinical testing. Allele origin: germline.
Comment: This variant was observed in the ICSL laboratory as part of a predisposition screen in an ostensibly healthy population. It had not been previously curated by ICSL or reported in the Human Gene Mutation Database (HGMD: prior to June 1st, 2018), and was therefore a candidate for classification through an automated scoring system. Utilizing variant allele frequency, disease prevalence and penetrance estimates, and inheritance mode, an automated score was calculated to assess if this variant is too frequent to cause the disease. Based on the score and internal cut-off values, a variant classified as benign is not then subjected to further curation. The score for this variant resulted in a classification of benign for this disease.

Breakthrough Genomics
Classification: Benign. Review status: criteria provided, single submitter. Criteria: ACMG Guidelines, 2015. Collection method: not provided. Allele origin: germline. Inheritance: Autosomal recessive inheritance. Affected: yes.